The following is an entry in ClinVar:

ClinVar aggregate classification (germline): Uncertain significance (1 of 4 stars; one submission).

Allele frequency attached by ClinVar (database versions not stated): TOPMed below 0.00001.
gnomAD v4.1: 3 of 1,613,462 alleles (0.00019%); highest among the groups gnomAD compares: Non-Finnish European, 0.00025%; no homozygotes.

Submission:

Labcorp Genetics (formerly Invitae), Labcorp
Classification: Uncertain significance. Last evaluated: 2025-07-31. Review status: criteria provided, single submitter. Criteria: Invitae Variant Classification Sherloc (09022015). Collection method: clinical testing. Allele origin: germline.
Comment: This sequence change replaces isoleucine, which is neutral and non-polar, with leucine, which is neutral and non-polar, at codon 930 of the RBP3 protein (p.Ile930Leu). This variant is present in population databases (no rsID available, gnomAD 0.0009%). This variant has not been reported in the literature in individuals affected with RBP3-related conditions. ClinVar contains an entry for this variant (Variation ID: 1502350). An algorithm developed to predict the effect of missense changes on protein structure and function (PolyPhen-2) suggests that this variant is likely to be tolerated. In summary, the available evidence is currently insufficient to determine the role of this variant in disease. Therefore, it has been classified as a Variant of Uncertain Significance.

NM_002900.3(RBP3):c.2788A>T (p.Ile930Leu)

Gene: RBP3 (retinol binding protein 3; plus strand). Cytogenetic location: 10q11.22.
Variant type: single nucleotide variant.
Coding change: c.2788A>T on transcript NM_002900.3 (MANE Select); coding-DNA position 2788, A replaced by T.
Protein change: p.Ile930Leu; replaces isoleucine 930 with leucine.
Molecular consequence: missense variant.
Genome position (GRCh38, 1-based): chr10:47,351,272, A>T. VCF-style: chr10-47351272-A-T. GRCh37 (hg19) VCF-style: chr10-48388090-T-A.
Other names: short protein forms I930L.
Identifiers: ClinVar variation 1502350 (VCV001502350.6), dbSNP rs782772636, ClinGen allele CA376675044.